The following is an entry in ClinVar:

ClinVar aggregate classification (germline): Conflicting classifications of pathogenicity. Review status: criteria provided, conflicting classifications (1 of 4 stars). 3 submissions from 3 submitters: Uncertain significance (2); Likely benign (1). Last evaluated 2026-01-19.

Conditions:
Hypertrophic cardiomyopathy. Also called: HYPERTROPHIC MYOCARDIOPATHY. Identifiers: Orphanet 217569, MedGen C0007194, MeSH D002312, MONDO:0005045, HP:0001639.
Cardiovascular phenotype. Identifiers: MedGen CN230736.
Cardiomyopathy (CMYO). Also called: Cardiomyopathies. Identifiers: Orphanet 167848, MedGen C0878544, MONDO:0004994, HP:0001638. Inheritance: Various modes of inheritance.

Allele frequency attached by ClinVar (database versions not stated): gnomAD exomes below 0.00001; ExAC 0.00001; gnomAD 0.00001 and 0.00002; TOPMed 0.00001; ESP Exome Variant Server 0.00008.
gnomAD v4.1: 2 of 1,610,420 alleles (0.00012%); highest among the groups gnomAD compares: Admixed American, 0.0017%; no homozygotes.

Submissions (3):

Labcorp Genetics (formerly Invitae), Labcorp
Classification: Uncertain significance for Hypertrophic cardiomyopathy. Last evaluated: 2026-01-19. Review status: criteria provided, single submitter. Criteria: Invitae Variant Classification Sherloc (09022015). Collection method: clinical testing. Allele origin: germline.
Comment: This sequence change replaces leucine, which is neutral and non-polar, with valine, which is neutral and non-polar, at codon 1116 of the MYBPC3 protein (p.Leu1116Val). This variant is present in population databases (rs370952321, gnomAD 0.007%). This variant has not been reported in the literature in individuals affected with MYBPC3-related conditions. ClinVar contains an entry for this variant (Variation ID: 1021437). An algorithm developed to predict the effect of missense changes on protein structure and function outputs the following: PolyPhen-2: "Benign". The valine amino acid residue is found in multiple mammalian species, which suggests that this missense change does not adversely affect protein function. In summary, the available evidence is currently insufficient to determine the role of this variant in disease. Therefore, it has been classified as a Variant of Uncertain Significance.

Color Diagnostics, LLC DBA Color Health
Classification: Uncertain significance for Cardiomyopathy. Last evaluated: 2025-09-11. Review status: criteria provided, single submitter. Criteria: ACMG Guidelines, 2015. Collection method: clinical testing. Allele origin: germline.
Comment: This missense variant replaces leucine with valine at codon 1116 of the MYBPC3 protein. Computational prediction suggests that this variant may not impact protein structure and function. To our knowledge, functional studies have not been reported for this variant. This variant has not been reported in individuals affected with MYBPC3-related disorders in the literature. This variant has been identified in 1/241344 chromosomes in the general population by the Genome Aggregation Database (gnomAD). The available evidence is insufficient to determine the role of this variant in disease conclusively. Therefore, this variant is classified as a Variant of Uncertain Significance.

Ambry Genetics
Classification: Likely benign for Cardiovascular phenotype. Last evaluated: 2024-05-14. Review status: criteria provided, single submitter. Criteria: Ambry Variant Classification Scheme 2023. Collection method: clinical testing. Allele origin: germline.

NM_000256.3(MYBPC3):c.3346T>G (p.Leu1116Val)

Gene: MYBPC3 (myosin binding protein C3; minus strand). Cytogenetic location: 11p11.2.
Variant type: single nucleotide variant.
Coding change: c.3346T>G on transcript NM_000256.3 (MANE Select); coding-DNA position 3346, T replaced by G.
Protein change: p.Leu1116Val; replaces leucine 1116 with valine.
Molecular consequence: missense variant.
Genome position (GRCh38, 1-based): chr11:47,332,958, A>C on the plus strand (T>G on the coding strand, the complement: MYBPC3 is on the minus strand). VCF-style: chr11-47332958-A-C. GRCh37 (hg19) VCF-style: chr11-47354509-A-C.
Other names: short protein forms L1116V.
Identifiers: ClinVar variation 1021437 (VCV001021437.10), dbSNP rs370952321, ClinGen allele CA079329.
Genomic context (GRCh38, chr11:47,332,958, plus strand): 5'-AGTAGCCATTGCCAATGATGAGCTCTGGCACCACGCAGTGGGTGCGGCGGTAATGCTCCA[A>C]GACGGTGAACCACTCCTGGGGGCAGGGAGGGAGGGGAGGCATCTCTGGGCCAGGCCCTTC-3'
Protein context (NP_000247.2, residues 1106-1126): DKKTMEWFTV[Leu1116Val]EHYRRTHCVV